The following is an entry in ClinVar:

NM_000459.5(TEK):c.3251C>G (p.Ser1084Ter)

Gene: TEK (TEK receptor tyrosine kinase; plus strand). Cytogenetic location: 9p21.2.
Variant type: single nucleotide variant.
Coding change: c.3251C>G on transcript NM_000459.5 (MANE Select); coding-DNA position 3251, C replaced by G.
Protein change: p.Ser1084Ter; replaces serine 1084 with a stop codon.
Molecular consequence: nonsense.
Genome position (GRCh38, 1-based): chr9:27,228,256, C>G. VCF-style: chr9-27228256-C-G. GRCh37 (hg19) VCF-style: chr9-27228254-C-G.
Other names: c.3122C>G, p.Ser1041Ter (NM_001290077.2); c.2807C>G, p.Ser936Ter (NM_001290078.2); c.3248C>G, p.Ser1083Ter (NM_001375475.1); c.3119C>G, p.Ser1040Ter (NM_001375476.1); short protein forms S1040*, S1041*, S1083*, S1084*, S936*.
Identifiers: ClinVar variation 1333465 (VCV001333465.2), dbSNP rs2131266023, ClinGen allele CA373130947.
Genomic context (GRCh38, chr9:27,228,256, plus strand): 5'-GCTTTCGAAGGTATGATCTAATGAGACAATGCTGGCGGGAGAAGCCTTATGAGAGGCCAT[C>G]ATTTGCCCAGATATTGGTGTCCTTAAACAGAATGTTAGAGGAGCGAAAGGTAAGTATTAA-3'

ClinVar aggregate classification (germline): Likely pathogenic. Review status: criteria provided, single submitter (1 of 4 stars). 2 submissions from 2 submitters: Likely pathogenic (1). 1 of the submissions does not count toward it. Last evaluated 2022-01-03.

Conditions:
Glaucoma 3, primary congenital, E (GLC3E). Identifiers: MedGen C4310639, MONDO:0014998, OMIM 617272.

Submissions (2):

3billion
Classification: Likely pathogenic for Glaucoma 3, primary congenital, E. Last evaluated: 2022-01-03. Review status: criteria provided, single submitter. Criteria: ACMG Guidelines, 2015. Collection method: clinical testing. Allele origin: germline. Affected: yes. Observed: 1 heterozygote.
Comment: Stop-gained (nonsense): predicted to result in a loss or disruption of normal protein function through protein truncation. Multiple pathogenic variants are reported in the predicted truncated region (PVS1_S). It is not observed in the gnomAD v2.1.1 dataset (PM2_M).Therefore, this variant is classified as likely pathogenic according to the recommendation of ACMG/AMP guideline.

Ophthalmo-Genetics Lab, Instituto de Oftalmologia Conde de Valenciana
Classification: Pathogenic for Glaucoma 3, primary congenital, E. Review status: no assertion criteria provided. Collection method: research. Allele origin: germline. Inheritance: Autosomal dominant inheritance. Affected: yes. Not counted in ClinVar's aggregate classification.

Literature cited by the submitters: DOI 10.3389/fgene.2021.764509 (cited by Ophthalmo-Genetics Lab, Instituto de Oftalmologia Conde de Valenciana).